The following is an entry in ClinVar:

ClinVar aggregate classification (germline): Uncertain significance (1 of 4 stars; one submission).

Conditions:
Progressive sclerosing poliodystrophy (MTDPS4A). Also called: Mitochondrial DNA Depletion Syndrome 4A; Alpers-Huttenlocher Syndrome (AHS); ALPERS PROGRESSIVE INFANTILE POLIODYSTROPHY; NEURONAL DEGENERATION OF CHILDHOOD WITH LIVER DISEASE, PROGRESSIVE; Alpers Syndrome; ALPERS DIFFUSE DEGENERATION OF CEREBRAL GRAY MATTER WITH HEPATIC CIRRHOSIS. Identifiers: Orphanet 726, MedGen C0205710, MONDO:0008758, OMIM 203700.

Submission:

Labcorp Genetics (formerly Invitae), Labcorp
Classification: Uncertain significance for Progressive sclerosing poliodystrophy. Last evaluated: 2022-07-12. Review status: criteria provided, single submitter. Criteria: Invitae Variant Classification Sherloc (09022015). Collection method: clinical testing. Allele origin: germline.
Comment: Algorithms developed to predict the effect of sequence changes on RNA splicing suggest that this variant may create or strengthen a splice site. In summary, the available evidence is currently insufficient to determine the role of this variant in disease. Therefore, it has been classified as a Variant of Uncertain Significance. This variant has not been reported in the literature in individuals affected with POLG-related conditions. This variant is not present in population databases (gnomAD no frequency). This sequence change affects codon 1205 of the POLG mRNA. It is a 'silent' change, meaning that it does not change the encoded amino acid sequence of the POLG protein.

NM_002693.3(POLG):c.3615G>T (p.Gly1205=)

Gene: POLG (DNA polymerase gamma, catalytic subunit; minus strand). Cytogenetic location: 15q26.1.
Variant type: single nucleotide variant.
Coding change: c.3615G>T on transcript NM_002693.3 (MANE Select); coding-DNA position 3615, G replaced by T.
Protein change: p.Gly1205=; no amino-acid change (glycine 1205 retained).
Molecular consequence: synonymous variant.
Genome position (GRCh38, 1-based): chr15:89,317,404, C>A on the plus strand (G>T on the coding strand, the complement: POLG is on the minus strand). VCF-style: chr15-89317404-C-A. GRCh37 (hg19) VCF-style: chr15-89860635-C-A.
Other names: c.3615G>T, p.Gly1205= (NM_001126131.2).
Identifiers: ClinVar variation 2049306 (VCV002049306.4), dbSNP rs2152056181, ClinGen allele CA492070473.
Genomic context (GRCh38, chr15:89,317,404, plus strand): 5'-TGTGTAATGAGGAACAAATGTGTTGTGCTCACCCTGGGGAATCCCGTATCTCCTTTCCAT[C>A]CCAGTTGGGTTGGAAGGGGTTTTACAATCCATGGTCACTTCCTTCCTGAGGCACCGGTCA-3'
Protein context (NP_002684.1, residues 1195-1215): MDCKTPSNPT[Gly1205=]MERRYGIPQG